The following is an entry in ClinVar:

NM_005918.4(MDH2):c.98C>G (p.Ser33Cys)

Gene: MDH2 (malate dehydrogenase 2; plus strand). Cytogenetic location: 7q11.23.
Variant type: single nucleotide variant.
Coding change: c.98C>G on transcript NM_005918.4 (MANE Select); coding-DNA position 98, C replaced by G.
Protein change: p.Ser33Cys; replaces serine 33 with cysteine.
Molecular consequence: missense variant. On other transcripts: intron variant (1).
Genome position (GRCh38, 1-based): chr7:76,054,861, C>G. VCF-style: chr7-76054861-C-G. GRCh37 (hg19) VCF-style: chr7-75684179-C-G.
Other names: c.98C>G, p.Ser33Cys (NM_001282403.2); c.-86-2549C>G (NM_001282404.2); short protein forms S33C.
Identifiers: ClinVar variation 1768542 (VCV001768542.8), dbSNP rs1190781553, ClinGen allele CA367762172.

ClinVar aggregate classification (germline): Uncertain significance. Review status: criteria provided, multiple submitters, no conflicts (2 of 4 stars). 2 submissions from 2 submitters: Uncertain significance (2). Last evaluated 2023-12-11.

Conditions:
Inborn genetic diseases. Identifiers: MedGen C0950123, MeSH D030342.

Allele frequency attached by ClinVar (database versions not stated): gnomAD exomes below 0.00001; gnomAD 0.00001; TOPMed 0.00001.
gnomAD v4.1: 2 of 1,614,074 alleles (0.00012%); highest among the groups gnomAD compares: African/African-American, 0.0027%; no homozygotes.

Submissions (2):

Labcorp Genetics (formerly Invitae), Labcorp
Classification: Uncertain significance. Last evaluated: 2023-12-11. Review status: criteria provided, single submitter. Criteria: Invitae Variant Classification Sherloc (09022015). Collection method: clinical testing. Allele origin: germline.
Comment: This sequence change replaces serine, which is neutral and polar, with cysteine, which is neutral and slightly polar, at codon 33 of the MDH2 protein (p.Ser33Cys). This variant is not present in population databases (gnomAD no frequency). This variant has not been reported in the literature in individuals affected with MDH2-related conditions. ClinVar contains an entry for this variant (Variation ID: 1768542). An algorithm developed to predict the effect of missense changes on protein structure and function (PolyPhen-2) suggests that this variant is likely to be disruptive. In summary, the available evidence is currently insufficient to determine the role of this variant in disease. Therefore, it has been classified as a Variant of Uncertain Significance.

Ambry Genetics
Classification: Uncertain significance for Inborn genetic diseases. Last evaluated: 2023-09-05. Review status: criteria provided, single submitter. Criteria: Ambry Variant Classification Scheme 2023. Collection method: clinical testing. Allele origin: germline.
Comment: The p.S33C variant (also known as c.98C>G), located in coding exon 2 of the MDH2 gene, results from a C to G substitution at nucleotide position 98. The serine at codon 33 is replaced by cysteine, an amino acid with dissimilar properties. This amino acid position is conserved. In addition, this alteration is predicted to be deleterious by in silico analysis. Since supporting evidence is limited at this time, the clinical significance of this alteration remains unclear.